The following is an entry in ClinVar:

ClinVar aggregate classification (germline): Uncertain significance. Review status: criteria provided, multiple submitters, no conflicts (2 of 4 stars). 2 submissions from 2 submitters: Uncertain significance (2). Last evaluated 2025-01-15.

Conditions:
Hereditary cancer-predisposing syndrome. Also called: Hereditary neoplastic syndrome; Neoplastic Syndromes, Hereditary; Hereditary Cancer Syndrome; Tumor predisposition. Identifiers: Orphanet 140162, MedGen C0027672, MeSH D009386, MONDO:0015356.
Pheochromocytoma. Also called: MAX-Related Hereditary Paraganglioma-Pheochromocytoma Syndrome. Identifiers: Orphanet 29072, MedGen C0031511, MONDO:0008233, OMIM 171300, HP:0002666.
Gastrointestinal stromal tumor. Also called: Gastrointestinal stromal tumor, somatic; Gastrointestinal stroma tumor. Identifiers: Orphanet 44890, MedGen C0238198, MeSH D046152, MONDO:0011719, OMIM 606764, HP:0100723.
Pheochromocytoma/paraganglioma syndrome 4. Also called: SDHB-Related Hereditary Paraganglioma-Pheochromocytoma Syndrome; PARAGANGLIOMA, FAMILIAL MALIGNANT; PARAGANGLIOMAS, HEREDITARY EXTRAADRENAL; PHEOCHROMOCYTOMA, FAMILIAL EXTRAADRENAL; Paragangliomas 4; CAROTID BODY TUMORS AND MULTIPLE EXTRAADRENAL PHEOCHROMOCYTOMAS. Identifiers: Orphanet 29072, MedGen C1861848, MONDO:0007273, OMIM 115310.

Allele frequency attached by ClinVar (database versions not stated): gnomAD 0.00001; gnomAD exomes 0.00001; TOPMed 0.00001; ExAC 0.00002.
gnomAD v4.1: 3 of 1,611,314 alleles (0.00019%); highest among the groups gnomAD compares: Non-Finnish European, 0.00025%; no homozygotes.

Submissions (2):

Ambry Genetics
Classification: Uncertain significance for Hereditary cancer-predisposing syndrome. Last evaluated: 2025-01-15. Review status: criteria provided, single submitter. Criteria: Ambry Variant Classification Scheme 2023. Collection method: clinical testing. Allele origin: germline.
Comment: The p.P70T variant (also known as c.208C>A), located in coding exon 3 of the SDHB gene, results from a C to A substitution at nucleotide position 208. The proline at codon 70 is replaced by threonine, an amino acid with highly similar properties. This amino acid position is conserved. In addition, this alteration is predicted to be deleterious by in silico analysis. Based on the available evidence, the clinical significance of this variant remains unclear.

Labcorp Genetics (formerly Invitae), Labcorp
Classification: Uncertain significance for Gastrointestinal stromal tumor; Pheochromocytoma/paraganglioma syndrome 4; Pheochromocytoma. Last evaluated: 2024-07-30. Review status: criteria provided, single submitter. Criteria: Invitae Variant Classification Sherloc (09022015). Collection method: clinical testing. Allele origin: germline.
Comment: This sequence change replaces proline, which is neutral and non-polar, with threonine, which is neutral and polar, at codon 70 of the SDHB protein (p.Pro70Thr). This variant is present in population databases (rs200890320, gnomAD 0.002%). This variant has not been reported in the literature in individuals affected with SDHB-related conditions. ClinVar contains an entry for this variant (Variation ID: 528732). Advanced modeling of protein sequence and biophysical properties (such as structural, functional, and spatial information, amino acid conservation, physicochemical variation, residue mobility, and thermodynamic stability) performed at Invitae indicates that this missense variant is not expected to disrupt SDHB protein function with a negative predictive value of 80%. In summary, the available evidence is currently insufficient to determine the role of this variant in disease. Therefore, it has been classified as a Variant of Uncertain Significance.

NM_003000.3(SDHB):c.208C>A (p.Pro70Thr)

Gene: SDHB (succinate dehydrogenase complex iron sulfur subunit B; minus strand). Cytogenetic location: 1p36.13.
Variant type: single nucleotide variant.
Coding change: c.208C>A on transcript NM_003000.3 (MANE Select); coding-DNA position 208, C replaced by A.
Protein change: p.Pro70Thr; replaces proline 70 with threonine.
Molecular consequence: missense variant.
Genome position (GRCh38, 1-based): chr1:17,033,138, G>T on the plus strand (C>A on the coding strand, the complement: SDHB is on the minus strand). VCF-style: chr1-17033138-G-T. GRCh37 (hg19) VCF-style: chr1-17359633-G-T.
Other names: short protein forms P70T.
Identifiers: ClinVar variation 528732 (VCV000528732.10), dbSNP rs200890320, ClinGen allele CA089542.
Genomic context (GRCh38, chr1:17,033,138, plus strand): 5'-GGAAGGTCAAAGTAGAGTCAACTTCATTCTTAATCTTGATTAAAGCATCCAATACCATGG[G>T]GCCACATCTAACAAAGAAAAATATCCAGTGGTATTTATGTAACGTTCAACCTCCCTACAC-3'
Protein context (NP_002991.2, residues 60-80): TYEVDLNKCG[Pro70Thr]MVLDALIKIK